The following is an entry in ClinVar:

NM_000069.3(CACNA1S):c.276C>G (p.Phe92Leu)

Gene: CACNA1S (calcium voltage-gated channel subunit alpha1 S; minus strand). Cytogenetic location: 1q32.1.
Variant type: single nucleotide variant.
Coding change: c.276C>G on transcript NM_000069.3 (MANE Select); coding-DNA position 276, C replaced by G.
Protein change: p.Phe92Leu; replaces phenylalanine 92 with leucine.
Molecular consequence: missense variant.
Genome position (GRCh38, 1-based): chr1:201,094,004, G>C on the plus strand (C>G on the coding strand, the complement: CACNA1S is on the minus strand). VCF-style: chr1-201094004-G-C. GRCh37 (hg19) VCF-style: chr1-201063132-G-C.
Other names: short protein forms F92L.
Identifiers: ClinVar variation 4682388 (VCV004682388.1).

ClinVar aggregate classification (germline): Uncertain significance (1 of 4 stars; one submission).

Submission:

Athena Diagnostics
Classification: Uncertain significance. Last evaluated: 2024-12-19. Review status: criteria provided, single submitter. Criteria: Athena Diagnostics Criteria. Collection method: clinical testing. Allele origin: unknown.
Comment: Available data are insufficient to determine the clinical significance of the variant at this time. This variant has not been reported in large, multi-ethnic general populations. This variant has been seen where an alternate explanation for disease was also identified, suggesting this variant may not cause disease. Polyphen and MutationTaster predict this amino acid change may be benign.